The following is an entry in ClinVar:

NM_001145809.2(MYH14):c.3987G>A (p.Gly1329=)

Gene: MYH14 (myosin heavy chain 14; plus strand). Cytogenetic location: 19q13.33.
Variant type: single nucleotide variant.
Coding change: c.3987G>A on transcript NM_001145809.2 (MANE Select); coding-DNA position 3987, G replaced by A.
Protein change: p.Gly1329=; no amino-acid change (glycine 1329 retained).
Molecular consequence: synonymous variant.
Genome position (GRCh38, 1-based): chr19:50,278,244, G>A. VCF-style: chr19-50278244-G-A. GRCh37 (hg19) VCF-style: chr19-50781501-G-A.
Other names: c.3888G>A, p.Gly1296= (NM_001077186.2); c.3864G>A, p.Gly1288= (NM_024729.4).
Identifiers: ClinVar variation 227577 (VCV000227577.4), dbSNP rs876657515, ClinGen allele CA10577109.

ClinVar aggregate classification (germline): Likely benign (1 of 4 stars; one submission).

Submission:

Laboratory for Molecular Medicine, Mass General Brigham Personalized Medicine
Classification: Likely benign. Last evaluated: 2015-12-05. Review status: criteria provided, single submitter. Criteria: LMM Criteria. Collection method: clinical testing. Allele origin: germline. Observed: 1 variant allele.
Comment: p.Gly1329Gly in exon 30 of MYH14: This variant is not expected to have clinical significance because it does not alter an amino acid residue and is not located within the splice consensus sequence.